The following is an entry in ClinVar:

ClinVar aggregate classification (germline): Conflicting classifications of pathogenicity. Review status: criteria provided, conflicting classifications (1 of 4 stars). 3 submissions from 3 submitters: Uncertain significance (1); Likely benign (2). Last evaluated 2025-05-13.

Conditions:
Epidermolysis bullosa simplex, Ogna type (EBS5A). Also called: Pidermolysis bullosa simplex 5A, Ogna type; EPIDERMOLYSIS BULLOSA SIMPLEX 5A, OGNA TYPE. Identifiers: Orphanet 79401, MedGen C0432317, MONDO:0007555, OMIM 131950.
Epidermolysis bullosa simplex with nail dystrophy (EBS5D). Identifiers: MedGen C4225309, MONDO:0014661, OMIM 616487.
Autosomal recessive limb-girdle muscular dystrophy type 2Q (LGMDR17). Also called: MUSCULAR DYSTROPHY, LIMB-GIRDLE, AUTOSOMAL RECESSIVE 17. Identifiers: Orphanet 254361, MedGen C3150989, MONDO:0013390, OMIM 613723.
Epidermolysis bullosa simplex 5C, with pyloric atresia (EBS5C). Also called: Epidermolysis bullosa simplex with pyloric atresia; PLEC1-Related Epidermolysis Bullosa with Pyloric Atresia; PLEC-Related Epidermolysis Bullosa with Pyloric Atresia. Identifiers: Orphanet 158684, MedGen C2677349, MONDO:0012807, OMIM 612138.
Epidermolysis bullosa simplex 5B, with muscular dystrophy (EBS5B). Also called: Epidermolysis bullosa simplex with muscular dystrophy; EPIDERMOLYSIS BULLOSA SIMPLEX AND LIMB-GIRDLE MUSCULAR DYSTROPHY. Identifiers: Orphanet 257, MedGen C2931072, MONDO:0009181, OMIM 226670.

Allele frequency attached by ClinVar (database versions not stated): gnomAD 0.00006; gnomAD exomes 0.00010; ExAC 0.00011; ESP Exome Variant Server 0.00015.
gnomAD v4.1: 141 of 1,612,938 alleles (0.0087%); highest among the groups gnomAD compares: Middle Eastern, 0.18%; no homozygotes.

Submissions (3):

Labcorp Genetics (formerly Invitae), Labcorp
Classification: Likely benign for Autosomal recessive limb-girdle muscular dystrophy type 2Q; Epidermolysis bullosa simplex, Ogna type; Epidermolysis bullosa simplex with nail dystrophy; Epidermolysis bullosa simplex 5C, with pyloric atresia; Epidermolysis bullosa simplex 5B, with muscular dystrophy. Last evaluated: 2025-05-13. Review status: criteria provided, single submitter. Criteria: Invitae Variant Classification Sherloc (09022015). Collection method: clinical testing. Allele origin: germline.

CeGaT Center for Human Genetics Tuebingen
Classification: Likely benign. Last evaluated: 2023-04-01. Review status: criteria provided, single submitter. Criteria: CeGaT Center For Human Genetics Tuebingen Variant Classification Criteria Version 2. Collection method: clinical testing. Allele origin: germline. Affected: yes. Observed: 1 variant allele.
Comment: PLEC: BP4, BP7

Eurofins Ntd Llc (ga)
Classification: Uncertain significance. Last evaluated: 2015-07-23. Review status: criteria provided, single submitter. Criteria: EGL Classification Definitions 2015. Collection method: clinical testing. Allele origin: germline. Observed: 2 variant alleles, 2 heterozygotes.

NM_201384.3(PLEC):c.8799C>T (p.Phe2933=)

Gene: PLEC (plectin; minus strand). Cytogenetic location: 8q24.3.
Variant type: single nucleotide variant.
Coding change: c.8799C>T on transcript NM_201384.3 (MANE Select); coding-DNA position 8799, C replaced by T.
Protein change: p.Phe2933=; no amino-acid change (phenylalanine 2933 retained).
Molecular consequence: synonymous variant.
Genome position (GRCh38, 1-based): chr8:143,921,022, G>A on the plus strand (C>T on the coding strand, the complement: PLEC is on the minus strand). VCF-style: chr8-143921022-G-A. GRCh37 (hg19) VCF-style: chr8-144995190-G-A.
Other names: c.8880C>T, p.Phe2960= (NM_000445.5); c.8757C>T, p.Phe2919= (NM_201378.4); c.8733C>T, p.Phe2911= (NM_201379.3); c.9210C>T, p.Phe3070= (NM_201380.4); c.8703C>T, p.Phe2901= (NM_201381.3); c.8799C>T, p.Phe2933= (NM_201382.4); c.8811C>T, p.Phe2937= (NM_201383.3).
Identifiers: ClinVar variation 281855 (VCV000281855.38), dbSNP rs371751910, ClinGen allele CA4925181.